The following is an entry in ClinVar:

ClinVar aggregate classification (germline): Conflicting classifications of pathogenicity. Review status: criteria provided, conflicting classifications (1 of 4 stars). 2 submissions from 2 submitters: Likely pathogenic (1); Uncertain significance (1). Last evaluated 2025-11-10.

Conditions:
Cardiovascular phenotype. Identifiers: MedGen CN230736.
SOS1-related disorder. Also called: SOS1-related condition.

Submissions (2):

Greenwood Genetic Center Diagnostic Laboratories, Greenwood Genetic Center
Classification: Likely pathogenic for SOS1-related disorder. Last evaluated: 2025-11-10. Review status: criteria provided, single submitter. Criteria: ACMG Guidelines, 2015. Collection method: clinical testing. Allele origin: germline. Affected: yes.
Comment: PS2, PM2

Ambry Genetics
Classification: Uncertain significance for Cardiovascular phenotype. Last evaluated: 2024-05-05. Review status: criteria provided, single submitter. Criteria: Ambry Variant Classification Scheme 2023. Collection method: clinical testing. Allele origin: germline.
Comment: The p.R625W variant (also known as c.1873C>T), located in coding exon 11 of the SOS1 gene, results from a C to T substitution at nucleotide position 1873. The arginine at codon 625 is replaced by tryptophan, an amino acid with dissimilar properties. This amino acid position is conserved. In addition, this alteration is predicted to be deleterious by in silico analysis. Based on the available evidence, the clinical significance of this variant remains unclear.

NM_005633.4(SOS1):c.1873C>T (p.Arg625Trp)

Gene: SOS1 (SOS Ras/Rac guanine nucleotide exchange factor 1; minus strand). Cytogenetic location: 2p22.1.
Variant type: single nucleotide variant.
Coding change: c.1873C>T on transcript NM_005633.4 (MANE Select); coding-DNA position 1873, C replaced by T.
Protein change: p.Arg625Trp; replaces arginine 625 with tryptophan.
Molecular consequence: missense variant.
Genome position (GRCh38, 1-based): chr2:39,014,832, G>A on the plus strand (C>T on the coding strand, the complement: SOS1 is on the minus strand). VCF-style: chr2-39014832-G-A. GRCh37 (hg19) VCF-style: chr2-39241973-G-A.
Other names: c.1852C>T, p.Arg618Trp (NM_001382394.1); c.1873C>T, p.Arg625Trp (NM_001382395.1); short protein forms R625W, R618W.
Identifiers: ClinVar variation 3321544 (VCV003321544.2).